The following is an entry in ClinVar:

NM_000843.4(GRM6):c.137C>T (p.Pro46Leu)

Gene: GRM6 (glutamate metabotropic receptor 6; minus strand). Cytogenetic location: 5q35.3.
Variant type: single nucleotide variant.
Coding change: c.137C>T on transcript NM_000843.4 (MANE Select); coding-DNA position 137, C replaced by T.
Protein change: p.Pro46Leu; replaces proline 46 with leucine.
Molecular consequence: missense variant.
Genome position (GRCh38, 1-based): chr5:178,994,808, G>A on the plus strand (C>T on the coding strand, the complement: GRM6 is on the minus strand). VCF-style: chr5-178994808-G-A. GRCh37 (hg19) VCF-style: chr5-178421809-G-A.
Other names: short protein forms P46L.
Identifiers: ClinVar variation 5844 (VCV000005844.15), dbSNP rs62638197, ClinGen allele CA117805.
Genomic context (GRCh38, chr5:178,994,808, plus strand): 5'-ACGCCCTGCTCCTTCTTCAGCTGCCCGCACGCCCGGCCCGCCGCGCCCCGCGCGTGCACC[G>A]GGAACAGGCCGCCCAGCGTCAGGCCGCCCGCCAGGCGCACAGAGCCCGCCGCGCGCGCCA-3'
Protein context (NP_000834.2, residues 36-56): AGGLTLGGLF[Pro46Leu]VHARGAAGRA

ClinVar aggregate classification (germline): Likely pathogenic. Review status: criteria provided, multiple submitters, no conflicts (2 of 4 stars). 6 submissions from 6 submitters: Likely pathogenic (3). 3 of the submissions do not count toward it. Last evaluated 2025-10-06.

Conditions:
GRM6-related disorders.
Congenital stationary night blindness. Also called: Early-onset non-progressive night blindness. Identifiers: Orphanet 215, MedGen C0339535, MONDO:0016293, HP:0007642.
Congenital stationary night blindness 1B. Also called: Night blindness, congenital stationary (complete), 1B, autosomal recessive; NIGHT BLINDNESS, CONGENITAL STATIONARY, COMPLETE, AUTOSOMAL RECESSIVE. Identifiers: Orphanet 215, MedGen C1850362, MONDO:0009758, OMIM 257270.

Allele frequency attached by ClinVar (database versions not stated): TOPMed 0.00007; gnomAD 0.00009 and 0.00010; 1000 Genomes Project 30x 0.00016.
gnomAD v4.1: 197 of 1,280,478 alleles (0.015%); highest among the groups gnomAD compares: Non-Finnish European, 0.019%; no homozygotes.

Submissions (6):

Labcorp Genetics (formerly Invitae), Labcorp
Classification: Likely pathogenic. Last evaluated: 2025-10-06. Review status: criteria provided, single submitter. Criteria: Invitae Variant Classification Sherloc (09022015). Collection method: clinical testing. Allele origin: germline.
Comment: This sequence change replaces proline, which is neutral and non-polar, with leucine, which is neutral and non-polar, at codon 46 of the GRM6 protein (p.Pro46Leu). The frequency data for this variant in the population databases is considered unreliable, as metrics indicate poor data quality at this position in the gnomAD database. This missense change has been observed in individual(s) with congenital stationary night blindness (PMID: 16249515, 28041643, 32531858). In at least one individual the data is consistent with being in trans (on the opposite chromosome) from a pathogenic variant. ClinVar contains an entry for this variant (Variation ID: 5844). Invitae Evidence Modeling of protein sequence and biophysical properties (such as structural, functional, and spatial information, amino acid conservation, physicochemical variation, residue mobility, and thermodynamic stability) has been performed for this missense variant. However, the output from this modeling did not meet the statistical confidence thresholds required to predict the impact of this variant on GRM6 protein function. Experimental studies have shown that this missense change affects GRM6 function (PMID: 17405131, 19666700). In summary, the currently available evidence indicates that the variant is pathogenic, but additional data are needed to prove that conclusively. Therefore, this variant has been classified as Likely Pathogenic.

Blueprint Genetics
Classification: Likely pathogenic for GRM6-related disorders. Last evaluated: 2024-11-08. Review status: criteria provided, single submitter. Criteria: ACMG Guidelines, 2015. Collection method: clinical testing. Allele origin: germline. Affected: yes. Observed: 5 variant alleles.

GeneDx
Classification: Likely pathogenic. Last evaluated: 2017-12-05. Review status: criteria provided, single submitter. Criteria: GeneDx Variant Classification (06012015). Collection method: clinical testing. Allele origin: germline. Affected: yes.
Comment: The P46L variant in the GRM6 gene has been reported previously in trans with another GRM6 variant in an individual with congenital stationary night blindness (Zeitz et al., 2005). The P46L variant is not observed at a significant frequency in large population cohorts (Lek et al., 2016). The P46L variant is a semi-conservative amino acid substitution, which may impact secondary protein structure as these residues differ in some properties. Functional studies of the P46L variant demonstrated a transport defect with intracellular retention of the receptor (Zeitz et al., 2007; Beqollari et al., 2009). We interpret P46L as a likely pathogenic variant.

NIHR Bioresource Rare Diseases, University of Cambridge
Classification: Likely pathogenic for Congenital stationary night blindness. Last evaluated: 2015-01-01. Review status: no assertion criteria provided. Collection method: research. Allele origin: unknown. Affected: yes. Observed: 1 variant allele. Not counted in ClinVar's aggregate classification.

OMIM
Classification: Pathogenic for NIGHT BLINDNESS, CONGENITAL STATIONARY, TYPE 1B. Last evaluated: 2005-11-01. Review status: no assertion criteria provided. Collection method: literature only. Allele origin: germline. Not counted in ClinVar's aggregate classification.

Retina International
No classification provided. Review status: no classification provided. Collection method: not provided. Allele origin: not provided. Not counted in ClinVar's aggregate classification.

Literature cited by the submitters: PubMed 16249515 (cited by 3 submitters); PubMed 28041643 (cited by Labcorp Genetics (formerly Invitae), Labcorp and NIHR Bioresource Rare Diseases, University of Cambridge); PubMed 32531858 (cited by Labcorp Genetics (formerly Invitae), Labcorp); PubMed 17405131 (cited by Labcorp Genetics (formerly Invitae), Labcorp); PubMed 19666700 (cited by Labcorp Genetics (formerly Invitae), Labcorp).